The following is an entry in ClinVar:

ClinVar aggregate classification (germline): Uncertain significance (1 of 4 stars; one submission).

Conditions:
Hereditary cancer-predisposing syndrome. Also called: Neoplastic Syndromes, Hereditary; Tumor predisposition; Hereditary neoplastic syndrome; Hereditary Cancer Syndrome. Identifiers: Orphanet 140162, MedGen C0027672, MeSH D009386, MONDO:0015356.

Submission:

Ambry Genetics
Classification: Uncertain significance for Hereditary cancer-predisposing syndrome. Last evaluated: 2024-04-24. Review status: criteria provided, single submitter. Criteria: Ambry Variant Classification Scheme 2023. Collection method: clinical testing. Allele origin: germline.
Comment: The p.E166D variant (also known as c.498A>T), located in coding exon 4 of the RB1 gene, results from an A to T substitution at nucleotide position 498. The glutamic acid at codon 166 is replaced by aspartic acid, an amino acid with highly similar properties. This amino acid position is conserved. In addition, this alteration is predicted to be tolerated by in silico analysis. Based on the available evidence, the clinical significance of this variant remains unclear.

NM_000321.3(RB1):c.498A>T (p.Glu166Asp)

Gene: RB1 (RB transcriptional corepressor 1; plus strand). Cytogenetic location: 13q14.2.
Variant type: single nucleotide variant.
Coding change: c.498A>T on transcript NM_000321.3 (MANE Select); coding-DNA position 498, A replaced by T.
Protein change: p.Glu166Asp; replaces glutamic acid 166 with aspartic acid.
Molecular consequence: missense variant.
Genome position (GRCh38, 1-based): chr13:48,345,197, A>T. VCF-style: chr13-48345197-A-T. GRCh37 (hg19) VCF-style: chr13-48919333-A-T.
Other names: c.498A>T, p.Glu166Asp (NM_001407165.1, NM_001407166.1); short protein forms E166D.
Identifiers: ClinVar variation 3313048 (VCV003313048.1).